The following is an entry in ClinVar:

NM_018089.3(ANKZF1):c.124C>G (p.Arg42Gly)

Gene: ANKZF1 (ankyrin repeat and zinc finger peptidyl tRNA hydrolase 1; plus strand). Cytogenetic location: 2q35.
Variant type: single nucleotide variant.
Coding change: c.124C>G on transcript NM_018089.3 (MANE Select); coding-DNA position 124, C replaced by G.
Protein change: p.Arg42Gly; replaces arginine 42 with glycine.
Molecular consequence: missense variant. On other transcripts: intron variant (1).
Genome position (GRCh38, 1-based): chr2:219,230,381, C>G. VCF-style: chr2-219230381-C-G. GRCh37 (hg19) VCF-style: chr2-220095103-C-G.
Other names: c.124C>G, p.Arg42Gly (NM_001042410.2); c.-267+481C>G (NM_001282792.2); short protein forms R42G.
Identifiers: ClinVar variation 1523888 (VCV001523888.8), dbSNP rs1308671007, ClinGen allele CA350670131.

ClinVar aggregate classification (germline): Uncertain significance (1 of 4 stars; one submission).

gnomAD v4.1: 2 of 1,611,354 alleles (0.00012%); highest among the groups gnomAD compares: South Asian, 0.0011%; no homozygotes.

Submission:

Labcorp Genetics (formerly Invitae), Labcorp
Classification: Uncertain significance. Last evaluated: 2023-10-13. Review status: criteria provided, single submitter. Criteria: Invitae Variant Classification Sherloc (09022015). Collection method: clinical testing. Allele origin: germline.
Comment: This sequence change replaces arginine, which is basic and polar, with glycine, which is neutral and non-polar, at codon 42 of the ANKZF1 protein (p.Arg42Gly). This variant is not present in population databases (gnomAD no frequency). This variant has not been reported in the literature in individuals affected with ANKZF1-related conditions. ClinVar contains an entry for this variant (Variation ID: 1523888). Algorithms developed to predict the effect of missense changes on protein structure and function output the following: SIFT: "Not Available"; PolyPhen-2: "Benign"; Align-GVGD: "Not Available". The glycine amino acid residue is found in multiple mammalian species, which suggests that this missense change does not adversely affect protein function. In summary, the available evidence is currently insufficient to determine the role of this variant in disease. Therefore, it has been classified as a Variant of Uncertain Significance.